The following is an entry in ClinVar:

ClinVar aggregate classification (germline): Pathogenic. Review status: criteria provided, multiple submitters, no conflicts (2 of 4 stars). 2 submissions from 2 submitters: Pathogenic (2). Last evaluated 2025-10-15.

Conditions:
Tyrosinase-positive oculocutaneous albinism (OCA2). Also called: ALBINISM II; Oculocutaneous albinism type 2; Albinism, oculocutaneous, type II. Identifiers: Orphanet 79432, MedGen C0268495, MONDO:0008746, OMIM 203200.

Allele frequency attached by ClinVar (database versions not stated): gnomAD 0.00001; TOPMed 0.00001.
gnomAD v4.1: 2 of 517,168 alleles (0.00039%); highest among the groups gnomAD compares: African/African-American, 0.0038%; no homozygotes.

Submissions (2):

Greenwood Genetic Center Diagnostic Laboratories, Greenwood Genetic Center
Classification: Pathogenic for Tyrosinase-positive oculocutaneous albinism. Last evaluated: 2025-10-15. Review status: criteria provided, single submitter. Criteria: ACMG Guidelines, 2015. Collection method: clinical testing. Allele origin: germline. Affected: yes.
Comment: PS3, PM2, PM3_Strong

Molecular Genetics, University Hospital Bordeaux
Classification: Pathogenic for Tyrosinase-positive oculocutaneous albinism. Last evaluated: 2023-11-20. Review status: criteria provided, single submitter. Criteria: ACMG Guidelines, 2015. Collection method: clinical testing, in vitro. Allele origin: inherited, not applicable. Affected: yes. Functional consequence: sequence_variant_affecting_splicing.

NM_000275.3(OCA2):c.1951+1215G>T

Gene: OCA2 (OCA2 melanosomal transmembrane protein; minus strand). Cytogenetic location: 15q13.1.
Variant type: single nucleotide variant.
Coding change: c.1951+1215G>T on transcript NM_000275.3 (MANE Select); 1215 bases into the intron after coding-DNA position 1951, G replaced by T.
Molecular consequence: intron variant.
Genome position (GRCh38, 1-based): chr15:27,950,569, C>A on the plus strand (G>T on the coding strand, the complement: OCA2 is on the minus strand). VCF-style: chr15-27950569-C-A. GRCh37 (hg19) VCF-style: chr15-28195715-C-A.
Other names: c.1879+1215G>T (NM_001300984.2).
Identifiers: ClinVar variation 2663763 (VCV002663763.3), dbSNP rs1004064327, ClinGen allele CA267879261.
Genomic context (GRCh38, chr15:27,950,569, plus strand): 5'-TCAGCTCTCAGGTGTGGATAAATAATACCTGCCAGCTTGAACCAAGCCCAGGCCACCTGG[C>A]AAGTTGGATTTGAGATTATCAAGAGAAAGAAATGGAGGGGCTGCAAATACATAACACAAA-3'